The following is an entry in ClinVar:

NM_000322.5(PRPH2):c.649A>T (p.Ser217Cys)

Gene: PRPH2 (peripherin 2; minus strand). Cytogenetic location: 6p21.1.
Variant type: single nucleotide variant.
Coding change: c.649A>T on transcript NM_000322.5 (MANE Select); coding-DNA position 649, A replaced by T.
Protein change: p.Ser217Cys; replaces serine 217 with cysteine.
Molecular consequence: missense variant.
Genome position (GRCh38, 1-based): chr6:42,704,544, T>A on the plus strand (A>T on the coding strand, the complement: PRPH2 is on the minus strand). VCF-style: chr6-42704544-T-A. GRCh37 (hg19) VCF-style: chr6-42672282-T-A.
Other names: c.649A>T (NM_000322.4); short protein forms S217C.
Identifiers: ClinVar variation 2847167 (VCV002847167.4), dbSNP rs767471467, ClinGen allele CA364135526.

ClinVar aggregate classification (germline): Uncertain significance. Review status: criteria provided, multiple submitters, no conflicts (2 of 4 stars). 2 submissions from 2 submitters: Uncertain significance (2). Last evaluated 2025-05-31.

Conditions:
PRPH2-related disorder. Also called: PRPH2-related disorders; PRPH2-related condition. Identifiers: MedGen CN239395.

Submissions (2):

GeneDx
Classification: Uncertain significance. Last evaluated: 2025-05-31. Review status: criteria provided, single submitter. Criteria: GeneDx Variant Classification Process June 2021. Collection method: clinical testing. Allele origin: germline. Affected: yes.
Comment: Not observed at significant frequency in large population cohorts (gnomAD); In silico analysis supports that this missense variant has a deleterious effect on protein structure/function; Has not been previously published as pathogenic or benign to our knowledge

Labcorp Genetics (formerly Invitae), Labcorp
Classification: Uncertain significance for PRPH2-related disorder. Last evaluated: 2023-03-18. Review status: criteria provided, single submitter. Criteria: Invitae Variant Classification Sherloc (09022015). Collection method: clinical testing. Allele origin: germline.
Comment: In summary, the available evidence is currently insufficient to determine the role of this variant in disease. Therefore, it has been classified as a Variant of Uncertain Significance. Advanced modeling of protein sequence and biophysical properties (such as structural, functional, and spatial information, amino acid conservation, physicochemical variation, residue mobility, and thermodynamic stability) has been performed at Invitae for this missense variant, however the output from this modeling did not meet the statistical confidence thresholds required to predict the impact of this variant on PRPH2 protein function. This variant has not been reported in the literature in individuals affected with PRPH2-related conditions. This variant is not present in population databases (gnomAD no frequency). This sequence change replaces serine, which is neutral and polar, with cysteine, which is neutral and slightly polar, at codon 217 of the PRPH2 protein (p.Ser217Cys).